The following is an entry in ClinVar:

ClinVar aggregate classification (germline): Uncertain significance. Review status: criteria provided, multiple submitters, no conflicts (2 of 4 stars). 2 submissions from 2 submitters: Uncertain significance (2). Last evaluated 2024-11-23.

Conditions:
Pyridoxine-dependent epilepsy (EPEO4). Also called: Pyridoxine-Dependent Epilepsy - ALDH7A1; EPILEPSY, EARLY-ONSET, 4, VITAMIN B6-DEPENDENT; PYRIDOXINE DEPENDENCY WITH SEIZURES; Pyridoxine-Dependent Seizures. Identifiers: Orphanet 3006, MedGen C1849508, MONDO:0009945, OMIM 266100. Disease mechanism: loss of function.
Inborn genetic diseases. Identifiers: MedGen C0950123, MeSH D030342.

Allele frequency attached by ClinVar (database versions not stated): TOPMed below 0.00001; gnomAD exomes 0.00001 and below 0.00001; ExAC 0.00002.

Submissions (2):

Ambry Genetics
Classification: Uncertain significance for Inborn genetic diseases. Last evaluated: 2024-11-23. Review status: criteria provided, single submitter. Criteria: Ambry Variant Classification Scheme 2023. Collection method: clinical testing. Allele origin: germline.

Labcorp Genetics (formerly Invitae), Labcorp
Classification: Uncertain significance for Pyridoxine-dependent epilepsy. Last evaluated: 2024-09-28. Review status: criteria provided, single submitter. Criteria: Invitae Variant Classification Sherloc (09022015). Collection method: clinical testing. Allele origin: germline.
Comment: This sequence change replaces methionine, which is neutral and non-polar, with valine, which is neutral and non-polar, at codon 29 of the ALDH7A1 protein (p.Met29Val). This variant is present in population databases (rs765544488, gnomAD 0.007%). This variant has not been reported in the literature in individuals affected with ALDH7A1-related conditions. ClinVar contains an entry for this variant (Variation ID: 841938). Invitae Evidence Modeling of protein sequence and biophysical properties (such as structural, functional, and spatial information, amino acid conservation, physicochemical variation, residue mobility, and thermodynamic stability) has been performed for this missense variant. However, the output from this modeling did not meet the statistical confidence thresholds required to predict the impact of this variant on ALDH7A1 protein function. In summary, the available evidence is currently insufficient to determine the role of this variant in disease. Therefore, it has been classified as a Variant of Uncertain Significance.

NM_001182.5(ALDH7A1):c.85A>G (p.Met29Val)

Gene: ALDH7A1 (aldehyde dehydrogenase 7 family member A1; minus strand). Cytogenetic location: 5q23.2.
Variant type: single nucleotide variant.
Coding change: c.85A>G on transcript NM_001182.5 (MANE Select); coding-DNA position 85, A replaced by G.
Protein change: p.Met29Val; replaces methionine 29 with valine.
Molecular consequence: missense variant. On other transcripts: initiator codon variant (1).
Genome position (GRCh38, 1-based): chr5:126,595,114, T>C on the plus strand (A>G on the coding strand, the complement: ALDH7A1 is on the minus strand). VCF-style: chr5-126595114-T-C. GRCh37 (hg19) VCF-style: chr5-125930806-T-C.
Other names: c.1A>G, p.Met1Val (NM_001201377.2); c.85A>G, p.Met29Val (NM_001202404.2); short protein forms M1V, M29V.
Identifiers: ClinVar variation 841938 (VCV000841938.9), dbSNP rs765544488, ClinGen allele CA3389929.
Genomic context (GRCh38, chr5:126,595,114, plus strand): 5'-CGCGGAGCCCCAGCTCTTTCAGCCACGCATACTGGGGCTGATTGATGAGGAGAGTGGACA[T>C]GAAGGCGGCAGGCCTGCTCCAAGGTCCAGAGAGCTTGCTGGTCTTTGCAGCGTGCACACA-3'
Protein context (NP_001173.2, residues 19-39): SGPWSRPAAF[Met29Val]STLLINQPQY